The following is an entry in ClinVar:

NM_001039141.3(TRIOBP):c.3944G>A (p.Arg1315His)

Gene: TRIOBP (TRIO and F-actin binding protein; plus strand). Cytogenetic location: 22q13.1.
Variant type: single nucleotide variant.
Coding change: c.3944G>A on transcript NM_001039141.3 (MANE Select); coding-DNA position 3944, G replaced by A.
Protein change: p.Arg1315His; replaces arginine 1315 with histidine.
Molecular consequence: missense variant.
Genome position (GRCh38, 1-based): chr22:37,726,500, G>A. VCF-style: chr22-37726500-G-A. GRCh37 (hg19) VCF-style: chr22-38122507-G-A.
Other names: c.3944G>A (NM_001039141.2); short protein forms R1315H.
Identifiers: ClinVar variation 289712 (VCV000289712.31), dbSNP rs772997803, ClinGen allele CA10224264.

ClinVar aggregate classification (germline): Uncertain significance. Review status: criteria provided, multiple submitters, no conflicts (2 of 4 stars). 3 submissions from 3 submitters: Uncertain significance (3). Last evaluated 2026-09-25.

Allele frequency attached by ClinVar (database versions not stated): gnomAD 0.00002; TOPMed 0.00002; ExAC 0.00014.
gnomAD v4.1: 68 of 1,503,378 alleles (0.0045%); highest among the groups gnomAD compares: Non-Finnish European, 0.0055%; no homozygotes.

Submissions (3):

GeneDx
Classification: Uncertain significance. Last evaluated: 2026-09-25. Review status: criteria provided, single submitter. Criteria: GeneDx Variant Classification Process June 2021. Collection method: clinical testing. Allele origin: germline.
Comment: In silico analysis supports that this missense variant has a deleterious effect on protein structure/function; Has not been previously published as pathogenic or benign to our knowledge

CeGaT Center for Human Genetics Tuebingen
Classification: Uncertain significance. Last evaluated: 2022-10-01. Review status: criteria provided, single submitter. Criteria: CeGaT Center For Human Genetics Tuebingen Variant Classification Criteria Version 2. Collection method: clinical testing. Allele origin: germline. Affected: yes. Observed: 1 variant allele.

Eurofins Ntd Llc (ga)
Classification: Uncertain significance. Last evaluated: 2018-03-22. Review status: criteria provided, single submitter. Criteria: EGL ClinVar v180209 classification definitions. Collection method: clinical testing. Allele origin: germline. Observed: 2 variant alleles, 2 heterozygotes.